The following is an entry in ClinVar:

ClinVar aggregate classification (germline): Uncertain significance. Review status: criteria provided, multiple submitters, no conflicts (2 of 4 stars). 4 submissions from 4 submitters: Uncertain significance (4). Last evaluated 2025-06-18.

Conditions:
Arrhythmogenic right ventricular dysplasia 5. Also called: Arrhythmogenic Right Ventricular Dysplasia/Cardiomyopathy 5; ARRHYTHMOGENIC RIGHT VENTRICULAR DYSPLASIA, FAMILIAL, 5. Identifiers: MedGen C1858379, MONDO:0011459, OMIM 604400.
Auditory neuropathy, autosomal dominant 3 (AUNA3). Identifiers: MedGen C5676964, MONDO:0859235, OMIM 619832.
Emery-Dreifuss muscular dystrophy 7, autosomal dominant (EDMD7). Also called: Emery-Dreifuss muscular dystrophy 7, AD. Identifiers: Orphanet 261, MedGen C3553060, MONDO:0013677, OMIM 614302.
Cardiomyopathy (CMYO). Also called: Cardiomyopathies. Identifiers: Orphanet 167848, MedGen C0878544, MONDO:0004994, HP:0001638. Inheritance: Various modes of inheritance.

Allele frequency attached by ClinVar (database versions not stated): gnomAD below 0.00001 and 0.00001; gnomAD exomes 0.00001 and 0.00002; ExAC 0.00002.
gnomAD v4.1: 12 of 1,614,090 alleles (0.00074%); highest among the groups gnomAD compares: Middle Eastern, 0.016%; no homozygotes.

Submissions (4):

Labcorp Genetics (formerly Invitae), Labcorp
Classification: Uncertain significance for Arrhythmogenic right ventricular dysplasia 5. Last evaluated: 2025-06-18. Review status: criteria provided, single submitter. Criteria: Invitae Variant Classification Sherloc (09022015). Collection method: clinical testing. Allele origin: germline.
Comment: This sequence change replaces leucine, which is neutral and non-polar, with valine, which is neutral and non-polar, at codon 348 of the TMEM43 protein (p.Leu348Val). This variant is present in population databases (rs769793469, gnomAD 0.01%). This variant has not been reported in the literature in individuals affected with TMEM43-related conditions. ClinVar contains an entry for this variant (Variation ID: 918338). Invitae Evidence Modeling of protein sequence and biophysical properties (such as structural, functional, and spatial information, amino acid conservation, physicochemical variation, residue mobility, and thermodynamic stability) indicates that this missense variant is not expected to disrupt TMEM43 protein function with a negative predictive value of 80%. In summary, the available evidence is currently insufficient to determine the role of this variant in disease. Therefore, it has been classified as a Variant of Uncertain Significance.

Color Diagnostics, LLC DBA Color Health
Classification: Uncertain significance for Cardiomyopathy. Last evaluated: 2024-03-06. Review status: criteria provided, single submitter. Criteria: ACMG Guidelines, 2015. Collection method: clinical testing. Allele origin: germline.
Comment: This missense variant replaces leucine with valine at codon 348 of the TMEM43 protein. Computational prediction suggests that this variant may not impact protein structure and function (internally defined REVEL score threshold <= 0.5, PMID: 27666373). To our knowledge, functional studies have not been reported for this variant. This variant has not been reported in individuals affected with TMEM43-related disorders in the literature. This variant has been identified in 4/251122 chromosomes in the general population by the Genome Aggregation Database (gnomAD). The available evidence is insufficient to determine the role of this variant in disease conclusively. Therefore, this variant is classified as a Variant of Uncertain Significance.

All of Us Research Program, National Institutes of Health
Classification: Uncertain significance for Arrhythmogenic right ventricular dysplasia 5. Last evaluated: 2023-10-02. Review status: criteria provided, single submitter. Criteria: ACMG Guidelines, 2015. Collection method: clinical testing. Allele origin: germline. Inheritance: Autosomal dominant inheritance. Observed: 2 variant alleles, 2 heterozygotes.
Comment: This missense variant replaces leucine with valine at codon 348 of the TMEM43 protein. Computational prediction tools and conservation analyses are inconclusive regarding the impact of this variant on protein function. Computational splicing tools suggest that this variant may not impact RNA splicing. To our knowledge, functional assays have not been performed for this variant nor has this variant been reported in individuals affected with cardiovascular disorders in the literature. This variant has been identified in 4/251122 chromosomes in the general population by the Genome Aggregation Database (gnomAD). Available evidence is insufficient to determine the role of this variant in disease conclusively. Therefore, this variant is classified as a Variant of Uncertain Significance.

This study involves interpretation of variants in research participants for the purpose of population health screening. Participant phenotype was not available at the time of variant classification. Additional details can be found in publication PMID: 35346344, PMCID: PMC8962531

Center for Genomics, Ann and Robert H. Lurie Children's Hospital of Chicago
Classification: Uncertain significance for Arrhythmogenic right ventricular dysplasia 5; Auditory neuropathy, autosomal dominant 3; Emery-Dreifuss muscular dystrophy 7, autosomal dominant. Review status: criteria provided, single submitter. Criteria: ACMG Guidelines, 2015. Collection method: clinical testing. Allele origin: germline.
Comment: TMEM43 NM_024334.2 exon 12 p.Leu348Val (c.1042C>G): This variant has not been reported in the literature but is present in 0.009% (3/30616) of South Asian alleles in the Genome Aggregation Database. Evolutionary conservation suggests that this variant may impact the protein; computational predictive tools for this variant are unclear. In summary, data on this variant is insufficient for disease classification. Therefore, the clinical significance of this variant is uncertain.

NM_024334.3(TMEM43):c.1042C>G (p.Leu348Val)

Gene: TMEM43 (transmembrane protein 43; plus strand). Cytogenetic location: 3p25.1.
Variant type: single nucleotide variant.
Coding change: c.1042C>G on transcript NM_024334.3 (MANE Select); coding-DNA position 1042, C replaced by G.
Protein change: p.Leu348Val; replaces leucine 348 with valine.
Molecular consequence: missense variant.
Genome position (GRCh38, 1-based): chr3:14,141,634, C>G. VCF-style: chr3-14141634-C-G. GRCh37 (hg19) VCF-style: chr3-14183134-C-G.
Other names: short protein forms L348V.
Identifiers: ClinVar variation 918338 (VCV000918338.9), dbSNP rs769793469, ClinGen allele CA051056.
Genomic context (GRCh38, chr3:14,141,634, plus strand): 5'-ACCTTTCTCCTTTCCACAGTGGACTGGTTTCCTGTTTTCCGAGACCTGGTCAACATTGGC[C>G]TGAAAGCCTTTGCCTTCTGTGTGGCCACCTCGCTGACCCTGCTGACCGTGGCGGCTGGCT-3'
Protein context (NP_077310.1, residues 338-358): PVFRDLVNIG[Leu348Val]KAFAFCVATS